The following is an entry in ClinVar:

ClinVar aggregate classification (germline): Uncertain significance (1 of 4 stars; one submission).

Allele frequency attached by ClinVar (database versions not stated): gnomAD 0.00001 and 0.00002; ExAC 0.00002; gnomAD exomes 0.00001.

Submission:

Labcorp Genetics (formerly Invitae), Labcorp
Classification: Uncertain significance. Last evaluated: 2025-08-22. Review status: criteria provided, single submitter. Criteria: Invitae Variant Classification Sherloc (09022015). Collection method: clinical testing. Allele origin: germline.
Comment: This sequence change replaces arginine, which is basic and polar, with glutamine, which is neutral and polar, at codon 902 of the ATRN protein (p.Arg902Gln). This variant is present in population databases (rs768522267, gnomAD 0.002%). This variant has not been reported in the literature in individuals affected with ATRN-related conditions. ClinVar contains an entry for this variant (Variation ID: 1411527). An algorithm developed to predict the effect of missense changes on protein structure and function (PolyPhen-2) suggests that this variant is likely to be tolerated. In summary, the available evidence is currently insufficient to determine the role of this variant in disease. Therefore, it has been classified as a Variant of Uncertain Significance.

NM_139321.3(ATRN):c.2705G>A (p.Arg902Gln)

Gene: ATRN (attractin; plus strand). Cytogenetic location: 20p13.
Variant type: single nucleotide variant.
Coding change: c.2705G>A on transcript NM_139321.3 (MANE Select); coding-DNA position 2705, G replaced by A.
Protein change: p.Arg902Gln; replaces arginine 902 with glutamine.
Molecular consequence: missense variant.
Genome position (GRCh38, 1-based): chr20:3,582,295, G>A. VCF-style: chr20-3582295-G-A. GRCh37 (hg19) VCF-style: chr20-3562942-G-A.
Other names: c.2357G>A, p.Arg786Gln (NM_001207047.3); c.2705G>A, p.Arg902Gln (NM_001323332.2, NM_139322.4); short protein forms R786Q, R902Q.
Identifiers: ClinVar variation 1411527 (VCV001411527.6), dbSNP rs768522267, ClinGen allele CA9744329.